The following is an entry in ClinVar:

NM_005529.7(HSPG2):c.4245dup (p.Arg1416fs)

Gene: HSPG2 (heparan sulfate proteoglycan 2; minus strand). Cytogenetic location: 1p36.12.
Variant type: Duplication.
Coding change: c.4245dup on transcript NM_005529.7 (MANE Select); coding-DNA position 4245, one base duplicated (G; older notation c.4245dupG).
Protein change: p.Arg1416fs; shifts the reading frame from arginine 1416.
Molecular consequence: frameshift variant.
Genome position (GRCh38, 1-based): chr1:21,865,786, C duplicated on the plus strand (G on the coding strand, the reverse complement: HSPG2 is on the minus strand). VCF-style (leftmost placement, unchanged base first): chr1-21865785-G-GC. GRCh37 (hg19) VCF-style: chr1-22192278-G-GC.
Other names: c.4248dup, p.Arg1417fs (NM_001291860.2); short protein forms R1416fs, R1417fs.
Identifiers: ClinVar variation 2710437 (VCV002710437.3), dbSNP rs2550728484, ClinGen allele CA2697552253.

ClinVar aggregate classification (germline): Pathogenic (1 of 4 stars; one submission).

Submission:

Labcorp Genetics (formerly Invitae), Labcorp
Classification: Pathogenic. Last evaluated: 2023-10-05. Review status: criteria provided, single submitter. Criteria: Invitae Variant Classification Sherloc (09022015). Collection method: clinical testing. Allele origin: germline.
Comment: This sequence change creates a premature translational stop signal (p.Arg1416Alafs*17) in the HSPG2 gene. It is expected to result in an absent or disrupted protein product. Loss-of-function variants in HSPG2 are known to be pathogenic (PMID: 11279527, 16927315, 20542149, 23836246). This variant is not present in population databases (gnomAD no frequency). This variant has not been reported in the literature in individuals affected with HSPG2-related conditions. For these reasons, this variant has been classified as Pathogenic.

Literature cited by the submitters: PubMed 11279527; PubMed 16927315; PubMed 20542149; PubMed 23836246.